The following is an entry in ClinVar:

NM_000179.3(MSH6):c.2524del (p.Ala842fs)

Gene: MSH6 (mutS homolog 6; plus strand). Cytogenetic location: 2p16.3.
Variant type: Deletion.
Coding change: c.2524del on transcript NM_000179.3 (MANE Select); coding-DNA position 2524, one base deleted (G; older notation c.2524delG).
Protein change: p.Ala842fs; shifts the reading frame from alanine 842.
Molecular consequence: frameshift variant. On other transcripts: non-coding transcript variant (5), intron variant (3).
Genome position (GRCh38, 1-based): chr2:47,800,507, G deleted; the last of 3 consecutive G bases (chr2:47,800,505-47,800,507); deleting any one gives the same sequence. VCF-style (leftmost placement, unchanged base first): chr2-47800504-AG-A. GRCh37 (hg19) VCF-style: chr2-48027643-AG-A.
Other names: c.1618del, p.Ala540fs (NM_001406829.1, NM_001281493.2, NM_001281494.2 and 6 more transcripts); c.2227del, p.Ala743fs (NM_001406830.1, NM_001406797.1, NM_001406801.1 and 10 more transcripts); c.2308+216del (NM_001406803.1); c.1606+918del (NM_001406817.1); c.628-159del (NM_001407362.1); c.2134del, p.Ala712fs (NM_001281492.2); c.2620del, p.Ala874fs (NM_001406795.1, NM_001406802.1); c.2524del, p.Ala842fs (NM_001406796.1, NM_001406798.1, NM_001406800.1 and 2 more transcripts); and 4 more; short protein forms A786fs, A816fs, A842fs, A874fs, A712fs, A743fs, A540fs, A667fs.
Identifiers: ClinVar variation 3640677 (VCV003640677.2).

ClinVar aggregate classification (germline): Pathogenic (1 of 4 stars; one submission).

Conditions:
Hereditary nonpolyposis colorectal neoplasms. Identifiers: MedGen C0009405, MeSH D003123.

Submission:

Labcorp Genetics (formerly Invitae), Labcorp
Classification: Pathogenic for Hereditary nonpolyposis colorectal neoplasms. Last evaluated: 2024-02-22. Review status: criteria provided, single submitter. Criteria: Invitae Variant Classification Sherloc (09022015). Collection method: clinical testing. Allele origin: germline.
Comment: This sequence change creates a premature translational stop signal (p.Ala842Leufs*2) in the MSH6 gene. It is expected to result in an absent or disrupted protein product. Loss-of-function variants in MSH6 are known to be pathogenic (PMID: 18269114, 24362816). This variant is not present in population databases (gnomAD no frequency). This premature translational stop signal has been observed in individual(s) with breast and endometrial cancer (PMID: 34570441). For these reasons, this variant has been classified as Pathogenic.

Literature cited by the submitters: PubMed 18269114; PubMed 24362816; PubMed 34570441.